The following is an entry in ClinVar:

NM_144997.7(FLCN):c.1543G>A (p.Val515Met)

Gene: FLCN (folliculin; minus strand). Cytogenetic location: 17p11.2.
Variant type: single nucleotide variant.
Coding change: c.1543G>A on transcript NM_144997.7 (MANE Select); coding-DNA position 1543, G replaced by A.
Protein change: p.Val515Met; replaces valine 515 with methionine.
Molecular consequence: missense variant.
Genome position (GRCh38, 1-based): chr17:17,213,852, C>T on the plus strand (G>A on the coding strand, the complement: FLCN is on the minus strand). VCF-style: chr17-17213852-C-T. GRCh37 (hg19) VCF-style: chr17-17117166-C-T.
Other names: c.1543G>A (LRG_325t1); c.1597G>A, p.Val533Met (NM_001353229.2); c.1543G>A, p.Val515Met (NM_001353230.2, NM_001353231.2); short protein forms V515M, V533M.
Identifiers: ClinVar variation 485616 (VCV000485616.12), dbSNP rs1415483886, ClinGen allele CA398530530.

ClinVar aggregate classification (germline): Uncertain significance. Review status: criteria provided, multiple submitters, no conflicts (2 of 4 stars). 2 submissions from 2 submitters: Uncertain significance (2). Last evaluated 2026-01-08.

Conditions:
Hereditary cancer-predisposing syndrome. Also called: Tumor predisposition; Neoplastic Syndromes, Hereditary; Hereditary Cancer Syndrome; Hereditary neoplastic syndrome. Identifiers: Orphanet 140162, MedGen C0027672, MeSH D009386, MONDO:0015356.
Birt-Hogg-Dube syndrome. Also called: Birt Hogg Dubé syndrome. Identifiers: Orphanet 122, MedGen C0346010, MONDO:0800444.

Allele frequency attached by ClinVar (database versions not stated): TOPMed below 0.00001; gnomAD 0.00001.
gnomAD v4.1: 1 of 1,613,968 alleles (0.000062%); highest among the groups gnomAD compares: Non-Finnish European, 0.000085%; no homozygotes.

Submissions (2):

Labcorp Genetics (formerly Invitae), Labcorp
Classification: Uncertain significance for Birt-Hogg-Dube syndrome. Last evaluated: 2026-01-08. Review status: criteria provided, single submitter. Criteria: Invitae Variant Classification Sherloc (09022015). Collection method: clinical testing. Allele origin: germline.
Comment: This sequence change replaces valine, which is neutral and non-polar, with methionine, which is neutral and non-polar, at codon 515 of the FLCN protein (p.Val515Met). This variant is not present in population databases (gnomAD no frequency). This variant has not been reported in the literature in individuals affected with FLCN-related conditions. ClinVar contains an entry for this variant (Variation ID: 485616). Invitae Evidence Modeling of protein sequence and biophysical properties (such as structural, functional, and spatial information, amino acid conservation, physicochemical variation, residue mobility, and thermodynamic stability) indicates that this missense variant is expected to disrupt FLCN protein function with a positive predictive value of 80%. In summary, the available evidence is currently insufficient to determine the role of this variant in disease. Therefore, it has been classified as a Variant of Uncertain Significance.

Ambry Genetics
Classification: Uncertain significance for Hereditary cancer-predisposing syndrome. Last evaluated: 2023-12-07. Review status: criteria provided, single submitter. Criteria: Ambry Variant Classification Scheme 2023. Collection method: clinical testing. Allele origin: germline.
Comment: The p.V515M variant (also known as c.1543G>A), located in coding exon 11 of the FLCN gene, results from a G to A substitution at nucleotide position 1543. The valine at codon 515 is replaced by methionine, an amino acid with highly similar properties. This amino acid position is highly conserved in available vertebrate species. In addition, this alteration is predicted to be deleterious by in silico analysis. Since supporting evidence is limited at this time, the clinical significance of this alteration remains unclear.